The following is an entry in ClinVar:

NM_182746.3(MCM4):c.2215C>T (p.Arg739Cys)

Gene: MCM4 (minichromosome maintenance complex component 4; plus strand). Cytogenetic location: 8q11.21.
Variant type: single nucleotide variant.
Coding change: c.2215C>T on transcript NM_182746.3 (MANE Select); coding-DNA position 2215, C replaced by T.
Protein change: p.Arg739Cys; replaces arginine 739 with cysteine.
Molecular consequence: missense variant.
Genome position (GRCh38, 1-based): chr8:47,974,812, C>T. VCF-style: chr8-47974812-C-T. GRCh37 (hg19) VCF-style: chr8-48887372-C-T.
Other names: c.2215C>T, p.Arg739Cys (NM_005914.4); short protein forms R739C.
Identifiers: ClinVar variation 1375448 (VCV001375448.5), dbSNP rs933097090, ClinGen allele CA176158794.

ClinVar aggregate classification (germline): Uncertain significance (1 of 4 stars; one submission).

Allele frequency attached by ClinVar (database versions not stated): gnomAD exomes below 0.00001; TOPMed below 0.00001.
gnomAD v4.1: 6 of 1,614,180 alleles (0.00037%); highest among the groups gnomAD compares: Admixed American, 0.0017%; no homozygotes.

Submission:

Labcorp Genetics (formerly Invitae), Labcorp
Classification: Uncertain significance. Last evaluated: 2021-08-28. Review status: criteria provided, single submitter. Criteria: Invitae Variant Classification Sherloc (09022015). Collection method: clinical testing. Allele origin: germline.
Comment: This variant has not been reported in the literature in individuals affected with MCM4-related conditions. This sequence change replaces arginine with cysteine at codon 739 of the MCM4 protein (p.Arg739Cys). The arginine residue is highly conserved and there is a large physicochemical difference between arginine and cysteine. This variant is not present in population databases (ExAC no frequency). Algorithms developed to predict the effect of missense changes on protein structure and function (SIFT, PolyPhen-2, Align-GVGD) all suggest that this variant is likely to be disruptive. In summary, the available evidence is currently insufficient to determine the role of this variant in disease. Therefore, it has been classified as a Variant of Uncertain Significance.